The following is an entry in ClinVar:

NM_017986.4(SLC52A1):c.298C>T (p.His100Tyr)

Gene: SLC52A1 (solute carrier family 52 member 1; minus strand). Cytogenetic location: 17p13.2.
Variant type: single nucleotide variant.
Coding change: c.298C>T on transcript NM_017986.4 (MANE Select); coding-DNA position 298, C replaced by T.
Protein change: p.His100Tyr; replaces histidine 100 with tyrosine.
Molecular consequence: missense variant.
Genome position (GRCh38, 1-based): chr17:5,034,191, G>A on the plus strand (C>T on the coding strand, the complement: SLC52A1 is on the minus strand). VCF-style: chr17-5034191-G-A. GRCh37 (hg19) VCF-style: chr17-4937486-G-A.
Other names: c.298C>T, p.His100Tyr (NM_001104577.2); short protein forms H100Y.
Identifiers: ClinVar variation 2986266 (VCV002986266.3), dbSNP rs753609854, ClinGen allele CA8319818.

ClinVar aggregate classification (germline): Uncertain significance (1 of 4 stars; one submission).

Conditions:
Vitamin B2 deficiency. Identifiers: MedGen C0035528.

Allele frequency attached by ClinVar (database versions not stated): gnomAD exomes below 0.00001; TOPMed below 0.00001; ExAC 0.00001.
gnomAD v4.1: 5 of 1,614,142 alleles (0.00031%); highest among the groups gnomAD compares: Non-Finnish European, 0.00025%; no homozygotes.

Submission:

Labcorp Genetics (formerly Invitae), Labcorp
Classification: Uncertain significance for Vitamin B2 deficiency. Last evaluated: 2024-02-19. Review status: criteria provided, single submitter. Criteria: Invitae Variant Classification Sherloc (09022015). Collection method: clinical testing. Allele origin: germline.
Comment: This sequence change replaces histidine, which is basic and polar, with tyrosine, which is neutral and polar, at codon 100 of the SLC52A1 protein (p.His100Tyr). This variant is present in population databases (rs753609854, gnomAD no frequency). This variant has not been reported in the literature in individuals affected with SLC52A1-related conditions. Advanced modeling of protein sequence and biophysical properties (such as structural, functional, and spatial information, amino acid conservation, physicochemical variation, residue mobility, and thermodynamic stability) performed at Invitae indicates that this missense variant is not expected to disrupt SLC52A1 protein function with a negative predictive value of 80%. In summary, the available evidence is currently insufficient to determine the role of this variant in disease. Therefore, it has been classified as a Variant of Uncertain Significance.